The following is an entry in ClinVar:

NM_014956.5(CEP164):c.2084C>T (p.Ser695Phe)

Gene: CEP164 (centrosomal protein 164; plus strand). Cytogenetic location: 11q23.3.
Variant type: single nucleotide variant.
Coding change: c.2084C>T on transcript NM_014956.5 (MANE Select); coding-DNA position 2084, C replaced by T.
Protein change: p.Ser695Phe; replaces serine 695 with phenylalanine.
Molecular consequence: missense variant.
Genome position (GRCh38, 1-based): chr11:117,391,016, C>T. VCF-style: chr11-117391016-C-T. GRCh37 (hg19) VCF-style: chr11-117261732-C-T.
Other names: c.2093C>T, p.Ser698Phe (NM_001271933.2); c.2084C>T (NM_014956.4); short protein forms S695F, S698F.
Identifiers: ClinVar variation 1014252 (VCV001014252.9), dbSNP rs749213655, ClinGen allele CA6294964.

ClinVar aggregate classification (germline): Uncertain significance. Review status: criteria provided, multiple submitters, no conflicts (2 of 4 stars). 2 submissions from 2 submitters: Uncertain significance (2). Last evaluated 2024-12-20.

Conditions:
Nephronophthisis 15 (NPHP15). Identifiers: Orphanet 3156, MedGen C3541853, MONDO:0013917, OMIM 614845.
Inborn genetic diseases. Identifiers: MedGen C0950123, MeSH D030342.

Allele frequency attached by ClinVar (database versions not stated): gnomAD exomes 0.00001; ExAC 0.00001.
gnomAD v4.1: 5 of 1,614,120 alleles (0.00031%); highest among the groups gnomAD compares: Middle Eastern, 0.033%; no homozygotes.

Submissions (2):

Ambry Genetics
Classification: Uncertain significance for Inborn genetic diseases. Last evaluated: 2024-12-20. Review status: criteria provided, single submitter. Criteria: Ambry Variant Classification Scheme 2023. Collection method: clinical testing. Allele origin: germline.

Labcorp Genetics (formerly Invitae), Labcorp
Classification: Uncertain significance for Nephronophthisis 15. Last evaluated: 2020-01-10. Review status: criteria provided, single submitter. Criteria: Invitae Variant Classification Sherloc (09022015). Collection method: clinical testing. Allele origin: germline.
Comment: In summary, the available evidence is currently insufficient to determine the role of this variant in disease. Therefore, it has been classified as a Variant of Uncertain Significance. Algorithms developed to predict the effect of missense changes on protein structure and function are either unavailable or do not agree on the potential impact of this missense change (SIFT: "Deleterious"; PolyPhen-2: "Probably Damaging"; Align-GVGD: "Class C15"). This variant has not been reported in the literature in individuals with CEP164-related conditions. This variant is present in population databases (rs749213655, ExAC 0.002%). This sequence change replaces serine with phenylalanine at codon 695 of the CEP164 protein (p.Ser695Phe). The serine residue is moderately conserved and there is a large physicochemical difference between serine and phenylalanine.